The following is an entry in ClinVar:

ClinVar aggregate classification (germline): Uncertain significance. Review status: criteria provided, multiple submitters, no conflicts (2 of 4 stars). 2 submissions from 2 submitters: Uncertain significance (2). Last evaluated 2025-05-07.

Submissions (2):

Labcorp Genetics (formerly Invitae), Labcorp
Classification: Uncertain significance. Last evaluated: 2025-05-07. Review status: criteria provided, single submitter. Criteria: Invitae Variant Classification Sherloc (09022015). Collection method: clinical testing. Allele origin: germline.
Comment: This sequence change replaces methionine, which is neutral and non-polar, with threonine, which is neutral and polar, at codon 356 of the GUF1 protein (p.Met356Thr). This variant is present in population databases (rs764328355, gnomAD 0.004%). This variant has not been reported in the literature in individuals affected with GUF1-related conditions. ClinVar contains an entry for this variant (Variation ID: 3523437). Invitae Evidence Modeling of protein sequence and biophysical properties (such as structural, functional, and spatial information, amino acid conservation, physicochemical variation, residue mobility, and thermodynamic stability) indicates that this missense variant is not expected to disrupt GUF1 protein function with a negative predictive value of 80%. In summary, the available evidence is currently insufficient to determine the role of this variant in disease. Therefore, it has been classified as a Variant of Uncertain Significance.

Ambry Genetics
Classification: Uncertain significance. Last evaluated: 2024-09-18. Review status: criteria provided, single submitter. Criteria: Ambry Variant Classification Scheme 2023. Collection method: clinical testing. Allele origin: germline.

NM_021927.3(GUF1):c.1067T>C (p.Met356Thr)

Gene: GUF1 (GTP binding elongation factor GUF1; plus strand). Cytogenetic location: 4p12.
Variant type: single nucleotide variant.
Coding change: c.1067T>C on transcript NM_021927.3 (MANE Select); coding-DNA position 1067, T replaced by C.
Protein change: p.Met356Thr; replaces methionine 356 with threonine.
Molecular consequence: missense variant.
Genome position (GRCh38, 1-based): chr4:44,688,135, T>C. VCF-style: chr4-44688135-T-C. GRCh37 (hg19) VCF-style: chr4-44690152-T-C.
Other names: c.95T>C, p.Met32Thr (NM_001345867.2, NM_001345869.2); c.1067T>C, p.Met356Thr (NM_001345868.2); short protein forms M356T, M32T.
Identifiers: ClinVar variation 3523437 (VCV003523437.2).